The following is an entry in ClinVar:

NM_022436.3(ABCG5):c.148C>T (p.Arg50Cys)

Gene: ABCG5 (ATP binding cassette subfamily G member 5; minus strand). Cytogenetic location: 2p21.
Variant type: single nucleotide variant.
Coding change: c.148C>T on transcript NM_022436.3 (MANE Select); coding-DNA position 148, C replaced by T.
Protein change: p.Arg50Cys; replaces arginine 50 with cysteine.
Molecular consequence: missense variant.
Genome position (GRCh38, 1-based): chr2:43,837,951, G>A on the plus strand (C>T on the coding strand, the complement: ABCG5 is on the minus strand). VCF-style: chr2-43837951-G-A. GRCh37 (hg19) VCF-style: chr2-44065090-G-A.
Other names: short protein forms R50C.
Identifiers: ClinVar variation 286793 (VCV000286793.29), dbSNP rs6756629, ClinGen allele CA1636763.

ClinVar aggregate classification (germline): Benign/Likely benign. Review status: criteria provided, multiple submitters, no conflicts (2 of 4 stars). 12 submissions from 12 submitters: Benign (7); Likely benign (4). 1 of the submissions does not count toward it. Last evaluated 2026-03-05.

Conditions:
Sitosterolemia (STSL). Also called: PHYTOSTEROLEMIA. Identifiers: Orphanet 2882, MedGen C0342907, MONDO:0008863.
Sitosterolemia 1. Identifiers: MedGen C2749759, MONDO:0020747, OMIM 210250.
ABCG5-related disorder. Also called: ABCG5-related condition.
Cardiovascular phenotype. Identifiers: MedGen CN230736.

Allele frequency attached by ClinVar (database versions not stated): gnomAD exomes 0.06243 and 0.06673; ExAC 0.06434; ESP Exome Variant Server 0.06666; 1000 Genomes Project 0.06709; 1000 Genomes Project 30x 0.06746; gnomAD 0.06788 and 0.06901; TOPMed 0.06996.

Submissions (12):

Department of Cardiology, Mackay Memorial Hospital
Classification: Likely benign for Sitosterolemia. Last evaluated: 2026-03-05. Review status: criteria provided, single submitter. Criteria: ACMG Guidelines, 2015. Collection method: clinical testing. Allele origin: germline. Affected: yes.
Comment: The ABCG5 NM_022436.3.148C>T (Accession: VCV000286793.27) variant has been observed in ostensibly unaffected individuals, and available population-level evidence suggests that its frequency may be higher than expected for a disease-causing allele in the context of the relevant disease prevalence, penetrance, and inheritance pattern. In addition, currently available clinical, segregation, functional, and computational data do not provide convincing evidence supporting pathogenicity. Although some clinical laboratories have classified this variant as benign using ACMG/AMP-based interpretation frameworks and internal criteria, the overall evidence is considered more appropriately supportive of a likely benign classification.

Labcorp Genetics (formerly Invitae), Labcorp
Classification: Benign for Sitosterolemia. Last evaluated: 2026-02-03. Review status: criteria provided, single submitter. Criteria: Invitae Variant Classification Sherloc (09022015). Collection method: clinical testing. Allele origin: germline.

Mayo Clinic Laboratories, Mayo Clinic
Classification: Likely benign. Last evaluated: 2025-04-28. Review status: criteria provided, single submitter. Criteria: ACMG Guidelines, 2015. Collection method: clinical testing. Allele origin: germline. Observed: 289 variant alleles.
Comment: BA1, BS2

Molecular Diagnostic Laboratory for Inherited Cardiovascular Disease, Montreal Heart Institute
Classification: Benign. Last evaluated: 2025-04-09. Review status: criteria provided, single submitter. Criteria: ACMG Guidelines, 2015. Collection method: clinical testing. Allele origin: germline. Affected: no.

Blueprint Genetics
Classification: Benign. Last evaluated: 2024-11-26. Review status: criteria provided, single submitter. Criteria: ACMG Guidelines, 2015. Collection method: clinical testing. Allele origin: germline.

Women's Health and Genetics/Laboratory Corporation of America, LabCorp
Classification: Likely benign. Last evaluated: 2023-07-17. Review status: criteria provided, single submitter. Criteria: LabCorp Variant Classification Summary - May 2015. Collection method: clinical testing. Allele origin: germline.

Ambry Genetics
Classification: Benign for Cardiovascular phenotype. Last evaluated: 2018-12-03. Review status: criteria provided, single submitter. Criteria: Ambry Variant Classification Scheme 2023. Collection method: clinical testing. Allele origin: germline.

GeneDx
Classification: Benign. Last evaluated: 2018-07-05. Review status: criteria provided, single submitter. Criteria: GeneDx Variant Classification Process June 2021. Collection method: clinical testing. Allele origin: germline. Affected: yes.
Comment: This variant is associated with the following publications: (PMID: 24633158, 22898925, 27291889, 28008009, 29353225, 19060911)

Illumina Laboratory Services, Illumina
Classification: Benign for Sitosterolemia 1. Last evaluated: 2018-01-12. Review status: criteria provided, single submitter. Criteria: ICSL Variant Classification Criteria 13 December 2019. Collection method: clinical testing. Allele origin: germline.
Comment: This variant was observed in the ICSL laboratory as part of a predisposition screen in an ostensibly healthy population. It had not been previously curated by ICSL or reported in the Human Gene Mutation Database (HGMD: prior to June 1st, 2018), and was therefore a candidate for classification through an automated scoring system. Utilizing variant allele frequency, disease prevalence and penetrance estimates, and inheritance mode, an automated score was calculated to assess if this variant is too frequent to cause the disease. Based on the score and internal cut-off values, a variant classified as benign is not then subjected to further curation. The score for this variant resulted in a classification of benign for this disease.

Eurofins Ntd Llc (ga)
Classification: Benign. Last evaluated: 2016-03-16. Review status: criteria provided, single submitter. Criteria: EGL Classification Definitions 2015. Collection method: clinical testing. Allele origin: germline. Observed: 2 variant alleles, 2 heterozygotes.

Breakthrough Genomics
Classification: Likely benign. Review status: criteria provided, single submitter. Criteria: ACMG Guidelines, 2015. Collection method: not provided. Allele origin: germline. Inheritance: Autosomal recessive inheritance. Affected: yes.

PreventionGenetics, part of Exact Sciences
Classification: Benign for ABCG5-related condition. Last evaluated: 2022-01-31. Review status: no assertion criteria provided. Collection method: clinical testing. Allele origin: germline. Not counted in ClinVar's aggregate classification.
Comment: This variant is classified as benign based on ACMG/AMP sequence variant interpretation guidelines (Richards et al. 2015 PMID: 25741868, with internal and published modifications).

Literature cited by the submitters: PubMed 32041611 (cited by Department of Cardiology, Mackay Memorial Hospital); PubMed 33853651 (cited by Department of Cardiology, Mackay Memorial Hospital).